The following is an entry in ClinVar:

ClinVar aggregate classification (germline): Pathogenic/Likely pathogenic. Review status: criteria provided, multiple submitters, no conflicts (2 of 4 stars). 2 submissions from 2 submitters: Pathogenic (1); Likely pathogenic (1). Last evaluated 2023-10-13.

Conditions:
Hereditary cancer-predisposing syndrome. Also called: Hereditary neoplastic syndrome; Tumor predisposition; Hereditary Cancer Syndrome; Neoplastic Syndromes, Hereditary. Identifiers: Orphanet 140162, MedGen C0027672, MeSH D009386, MONDO:0015356.
Nijmegen breakage syndrome-like disorder (NBSLD). Also called: MICROCEPHALY AND SPONTANEOUS CHROMOSOME INSTABILITY WITHOUT IMMUNODEFICIENCY; NBS-LIKE DISORDER; RAD50 DEFICIENCY. Identifiers: Orphanet 240760, MedGen C2751318, MONDO:0013118, OMIM 613078.

Submissions (2):

Labcorp Genetics (formerly Invitae), Labcorp
Classification: Pathogenic for Hereditary cancer-predisposing syndrome. Last evaluated: 2023-10-13. Review status: criteria provided, single submitter. Criteria: Invitae Variant Classification Sherloc (09022015). Collection method: clinical testing. Allele origin: germline.
Comment: This sequence change creates a premature translational stop signal (p.Lys421Argfs*3) in the RAD50 gene. It is expected to result in an absent or disrupted protein product. Loss-of-function variants in RAD50 are known to be pathogenic (PMID: 19409520). This variant is not present in population databases (gnomAD no frequency). This variant has not been reported in the literature in individuals affected with RAD50-related conditions. ClinVar contains an entry for this variant (Variation ID: 2125810). For these reasons, this variant has been classified as Pathogenic.

Baylor Genetics
Classification: Likely pathogenic for Nijmegen breakage syndrome-like disorder. Last evaluated: 2022-09-14. Review status: criteria provided, single submitter. Criteria: ACMG Guidelines, 2015. Collection method: clinical testing. Allele origin: unknown.

Literature cited by the submitters: PubMed 19409520 (cited by Labcorp Genetics (formerly Invitae), Labcorp).

NM_005732.4(RAD50):c.1262_1265del (p.Lys421fs)

Gene: RAD50 (RAD50 double strand break repair protein; plus strand). Cytogenetic location: 5q31.1.
Variant type: Deletion.
Coding change: c.1262_1265del on transcript NM_005732.4 (MANE Select); coding-DNA positions 1262 to 1265, 4 bases deleted (AAGA; older notation c.1262_1265delAAGA).
Protein change: p.Lys421fs; shifts the reading frame from lysine 421.
Molecular consequence: frameshift variant.
Genome position (GRCh38, 1-based): chr5:132,589,647-132,589,650, AAGA deleted; deleting any 4 consecutive bases within chr5:132,589,646-132,589,650 gives the same sequence; the c. name uses the placement nearest the transcript's 3' end. VCF-style (leftmost placement, unchanged base first): chr5-132589645-AAAAG-A. GRCh37 (hg19) VCF-style: chr5-131925337-AAAAG-A.
Other names: short protein forms K421fs.
Identifiers: ClinVar variation 2125810 (VCV002125810.5), dbSNP rs2479636714, ClinGen allele CA2578402600.